The following is an entry in ClinVar:

ClinVar aggregate classification (germline): Likely benign. Review status: criteria provided, multiple submitters, no conflicts (2 of 4 stars). 3 submissions from 3 submitters: Likely benign (3). Last evaluated 2026-03-03.

Conditions:
Rhabdoid tumor predisposition syndrome 2 (RTPS2). Identifiers: Orphanet 231108, Orphanet 69077, MedGen C2750074, MONDO:0013224, OMIM 613325.
Hereditary cancer-predisposing syndrome. Also called: Hereditary Cancer Syndrome; Neoplastic Syndromes, Hereditary; Hereditary neoplastic syndrome; Tumor predisposition. Identifiers: Orphanet 140162, MedGen C0027672, MeSH D009386, MONDO:0015356.

Submissions (3):

Ambry Genetics
Classification: Likely benign for Hereditary cancer-predisposing syndrome. Last evaluated: 2026-03-03. Review status: criteria provided, single submitter. Criteria: Ambry Variant Classification Scheme 2023. Collection method: clinical testing. Allele origin: germline.

CeGaT Center for Human Genetics Tuebingen
Classification: Likely benign. Last evaluated: 2025-08-01. Review status: criteria provided, single submitter. Criteria: CeGaT Center For Human Genetics Tuebingen Variant Classification Criteria Version 2. Collection method: clinical testing. Allele origin: germline. Affected: yes. Observed: 1 variant allele.
Comment: SMARCA4: PM2:Supporting, BP4, BP7

Labcorp Genetics (formerly Invitae), Labcorp
Classification: Likely benign for Rhabdoid tumor predisposition syndrome 2. Last evaluated: 2024-02-03. Review status: criteria provided, single submitter. Criteria: Invitae Variant Classification Sherloc (09022015). Collection method: clinical testing. Allele origin: germline.

NM_003072.5(SMARCA4):c.2829T>C (p.Phe943=)

Gene: SMARCA4 (SWI/SNF related BAF chromatin remodeling complex subunit ATPase 4; plus strand). Cytogenetic location: 19p13.2.
Variant type: single nucleotide variant.
Coding change: c.2829T>C on transcript NM_003072.5 (MANE Select); coding-DNA position 2829, T replaced by C.
Protein change: p.Phe943=; no amino-acid change (phenylalanine 943 retained).
Molecular consequence: synonymous variant. On other transcripts: non-coding transcript variant (1).
Genome position (GRCh38, 1-based): chr19:11,021,937, T>C. VCF-style: chr19-11021937-T-C. GRCh37 (hg19) VCF-style: chr19-11132613-T-C.
Other names: c.2829T>C, p.Phe943= (NM_001128844.3, NM_001128845.2, NM_001128846.2 and 4 more transcripts).
Identifiers: ClinVar variation 729400 (VCV000729400.18), dbSNP rs1600279521, ClinGen allele CA505743642.